The following is an entry in ClinVar:

ClinVar aggregate classification (germline): Likely benign. Review status: criteria provided, multiple submitters, no conflicts (2 of 4 stars). 4 submissions from 4 submitters: Likely benign (4). Last evaluated 2025-05-18.

Conditions:
Hereditary cancer-predisposing syndrome. Also called: Neoplastic Syndromes, Hereditary; Hereditary Cancer Syndrome; Tumor predisposition; Hereditary neoplastic syndrome. Identifiers: Orphanet 140162, MedGen C0027672, MeSH D009386, MONDO:0015356.
Familial adenomatous polyposis 2. Also called: FAP type 2; COLORECTAL ADENOMATOUS POLYPOSIS, AUTOSOMAL RECESSIVE; MYH-associated polyposis; MUTYH-associated polyposis; Adenomas, multiple colorectal; ADENOMAS, MULTIPLE COLORECTAL, AUTOSOMAL RECESSIVE. Identifiers: Orphanet 220460, Orphanet 247798, MedGen C3272841, MONDO:0012041, OMIM 608456.

Allele frequency attached by ClinVar (database versions not stated): TOPMed below 0.00001; gnomAD 0.00001; gnomAD exomes 0.00001.
gnomAD v4.1: 12 of 1,614,084 alleles (0.00074%); highest among the groups gnomAD compares: African/African-American, 0.0013%; no homozygotes.

Submissions (4):

Labcorp Genetics (formerly Invitae), Labcorp
Classification: Likely benign for Familial adenomatous polyposis 2. Last evaluated: 2025-05-18. Review status: criteria provided, single submitter. Criteria: Invitae Variant Classification Sherloc (09022015). Collection method: clinical testing. Allele origin: germline.

Color Diagnostics, LLC DBA Color Health
Classification: Likely benign for Hereditary cancer-predisposing syndrome. Last evaluated: 2020-01-15. Review status: criteria provided, single submitter. Criteria: ACMG Guidelines, 2015. Collection method: clinical testing. Allele origin: germline.

GeneDx
Classification: Likely benign. Last evaluated: 2018-04-30. Review status: criteria provided, single submitter. Criteria: GeneDx Variant Classification (06012015). Collection method: clinical testing. Allele origin: germline. Affected: yes.
Comment: This variant is considered likely benign or benign based on one or more of the following criteria: it is a conservative change, it occurs at a poorly conserved position in the protein, it is predicted to be benign by multiple in silico algorithms, and/or has population frequency not consistent with disease.

Ambry Genetics
Classification: Likely benign for Hereditary cancer-predisposing syndrome. Last evaluated: 2016-08-01. Review status: criteria provided, single submitter. Criteria: Ambry Variant Classification Scheme 2023. Collection method: clinical testing. Allele origin: germline.

NM_001048174.2(MUTYH):c.870A>G (p.Leu290=)

Gene: MUTYH (mutY DNA glycosylase; minus strand). Cytogenetic location: 1p34.1.
Variant type: single nucleotide variant.
Coding change: c.870A>G on transcript NM_001048174.2 (MANE Select); coding-DNA position 870, A replaced by G.
Protein change: p.Leu290=; no amino-acid change (leucine 290 retained).
Molecular consequence: synonymous variant. On other transcripts: non-coding transcript variant (2).
Genome position (GRCh38, 1-based): chr1:45,332,066, T>C on the plus strand (A>G on the coding strand, the complement: MUTYH is on the minus strand). VCF-style: chr1-45332066-T-C. GRCh37 (hg19) VCF-style: chr1-45797738-T-C.
Other names: c.870A>G, p.Leu290= (NM_001048171.2, NM_001048173.2, NM_001293195.2); c.873A>G, p.Leu291= (NM_001048172.2); c.954A>G, p.Leu318= (NM_001128425.2); c.915A>G, p.Leu305= (NM_001293190.2); c.903A>G, p.Leu301= (NM_001293191.2); c.594A>G, p.Leu198= (NM_001293192.2, NM_001293196.2); c.525A>G, p.Leu175= (NM_001350650.2, NM_001350651.2); c.945A>G, p.Leu315= (NM_012222.3).
Identifiers: ClinVar variation 485898 (VCV000485898.17), dbSNP rs1553127406, ClinGen allele CA417879875.